The following is an entry in ClinVar:

ClinVar aggregate classification (germline): Uncertain significance (1 of 4 stars; one submission).

Conditions:
CHD4-related disorder. Also called: CHD4-related condition.

Submission:

PreventionGenetics, part of Exact Sciences
Classification: Uncertain significance for CHD4-related condition. Last evaluated: 2026-06-18. Review status: criteria provided, single submitter. Criteria: ACMG Guidelines, 2015. Collection method: clinical testing. Allele origin: germline.
Comment: The CHD4 c.1787G>A variant is predicted to result in the amino acid substitution p.Arg596Gln. To our knowledge, this variant has not been reported in the literature or in a large population database (gnomAD), indicating this variant is rare. At this time, the clinical significance of this variant is uncertain due to the absence of conclusive functional and genetic evidence.

NM_001273.5(CHD4):c.1787G>A (p.Arg596Gln)

Gene: CHD4 (chromodomain helicase DNA binding protein 4; minus strand). Cytogenetic location: 12p13.31.
Variant type: single nucleotide variant.
Coding change: c.1787G>A on transcript NM_001273.5 (MANE Select); coding-DNA position 1787, G replaced by A.
Protein change: p.Arg596Gln; replaces arginine 596 with glutamine.
Molecular consequence: missense variant.
Genome position (GRCh38, 1-based): chr12:6,597,999, C>T on the plus strand (G>A on the coding strand, the complement: CHD4 is on the minus strand). VCF-style: chr12-6597999-C-T. GRCh37 (hg19) VCF-style: chr12-6707165-C-T.
Other names: c.1766G>A, p.Arg589Gln (NM_001297553.2); c.1748G>A, p.Arg583Gln (NM_001363606.2); short protein forms R596Q, R583Q, R589Q.
Identifiers: ClinVar variation 4995720 (VCV004995720.1).